The following is an entry in ClinVar:

ClinVar aggregate classification (germline): Uncertain significance. Review status: criteria provided, multiple submitters, no conflicts (2 of 4 stars). 3 submissions from 3 submitters: Uncertain significance (3). Last evaluated 2025-05-12.

Allele frequency attached by ClinVar (database versions not stated): ExAC 0.00012; TOPMed 0.00014; 1000 Genomes Project 30x 0.00047; ESP Exome Variant Server 0.00008; 1000 Genomes Project 0.00060.
gnomAD v4.1: 211 of 1,613,210 alleles (0.013%); highest among the groups gnomAD compares: Admixed American, 0.017%; no homozygotes.

Submissions (3):

Mayo Clinic Laboratories, Mayo Clinic
Classification: Uncertain significance. Last evaluated: 2025-05-12. Review status: criteria provided, single submitter. Criteria: ACMG Guidelines, 2015. Collection method: clinical testing. Allele origin: germline. Observed: 1 variant allele.
Comment: PP3_moderate

Women's Health and Genetics/Laboratory Corporation of America, LabCorp
Classification: Uncertain significance. Last evaluated: 2024-09-24. Review status: criteria provided, single submitter. Criteria: LabCorp Variant Classification Summary - May 2015. Collection method: clinical testing. Allele origin: germline.
Comment: Variant summary: TBXAS1 c.1234C>T (p.Arg412Trp) results in a non-conservative amino acid change in the encoded protein sequence. Five of five in-silico tools predict a damaging effect of the variant on protein function. The variant allele was found at a frequency of 0.00011 in 249630 control chromosomes, predominantly at a frequency of 0.0002 within the South Asian subpopulation in the gnomAD database. The available data on variant occurrences in the general population are insufficient to allow any conclusion about variant significance. To our knowledge, no occurrence of c.1234C>T in individuals affected with Ghosal Hematodiaphyseal Dysplasia and no experimental evidence demonstrating its impact on protein function have been reported. ClinVar contains an entry for this variant (Variation ID: 2173172). Based on the evidence outlined above, the variant was classified as uncertain significance.

Labcorp Genetics (formerly Invitae), Labcorp
Classification: Uncertain significance. Last evaluated: 2022-06-24. Review status: criteria provided, single submitter. Criteria: Invitae Variant Classification Sherloc (09022015). Collection method: clinical testing. Allele origin: germline.
Comment: This sequence change replaces arginine, which is basic and polar, with tryptophan, which is neutral and slightly polar, at codon 413 of the TBXAS1 protein (p.Arg413Trp). This variant is present in population databases (rs200525534, gnomAD 0.02%). This variant has not been reported in the literature in individuals affected with TBXAS1-related conditions. Algorithms developed to predict the effect of missense changes on protein structure and function are either unavailable or do not agree on the potential impact of this missense change (SIFT: "Deleterious"; PolyPhen-2: "Probably Damaging"; Align-GVGD: "Class C0"). This variant disrupts the p.Arg413 amino acid residue in TBXAS1. Other variant(s) that disrupt this residue have been determined to be pathogenic (PMID: 8702713, 18264100, 27156553, 33185009). This suggests that this residue is clinically significant, and that variants that disrupt this residue are likely to be disease-causing. In summary, the available evidence is currently insufficient to determine the role of this variant in disease. Therefore, it has been classified as a Variant of Uncertain Significance.

Literature cited by the submitters: PubMed 8702713 (cited by Labcorp Genetics (formerly Invitae), Labcorp); PubMed 18264100 (cited by Labcorp Genetics (formerly Invitae), Labcorp); PubMed 27156553 (cited by Labcorp Genetics (formerly Invitae), Labcorp); PubMed 33185009 (cited by Labcorp Genetics (formerly Invitae), Labcorp).

NM_001061.7(TBXAS1):c.1234C>T (p.Arg412Trp)

Gene: TBXAS1 (thromboxane A synthase 1; plus strand). Cytogenetic location: 7q34.
Variant type: single nucleotide variant.
Coding change: c.1234C>T on transcript NM_001061.7 (MANE Select); coding-DNA position 1234, C replaced by T.
Protein change: p.Arg412Trp; replaces arginine 412 with tryptophan.
Molecular consequence: missense variant.
Genome position (GRCh38, 1-based): chr7:140,015,730, C>T. VCF-style: chr7-140015730-C-T. GRCh37 (hg19) VCF-style: chr7-139715530-C-T.
Other names: p.Arg412Trp; c.1234C>T, p.Arg412Trp (NM_001130966.5, NM_030984.6); c.1372C>T, p.Arg458Trp (NM_001166253.4); c.1033C>T, p.Arg345Trp (NM_001166254.4); c.1177C>T, p.Arg393Trp (NM_001314028.4); c.1051C>T, p.Arg351Trp (NM_001366537.3); c.1234C>T (NM_001061.6); short protein forms R393W, R413W, R459W, R351W, R412W, R345W, R458W.
Identifiers: ClinVar variation 2173172 (VCV002173172.3), dbSNP rs200525534, ClinGen allele CA4511961.